The following is an entry in ClinVar:

NM_001754.5(RUNX1):c.1106C>T (p.Ser369Leu)

Gene: RUNX1 (RUNX family transcription factor 1; minus strand). Cytogenetic location: 21q22.12.
Variant type: single nucleotide variant.
Coding change: c.1106C>T on transcript NM_001754.5 (MANE Select); coding-DNA position 1106, C replaced by T.
Protein change: p.Ser369Leu; replaces serine 369 with leucine.
Molecular consequence: missense variant.
Genome position (GRCh38, 1-based): chr21:34,792,472, G>A on the plus strand (C>T on the coding strand, the complement: RUNX1 is on the minus strand). VCF-style: chr21-34792472-G-A. GRCh37 (hg19) VCF-style: chr21-36164769-G-A.
Other names: NM_001754.5(RUNX1):c.1106C>T; p.Ser369Leu; c.1106C>T (NM_001754.4); c.1025C>T, p.Ser342Leu (NM_001001890.3); short protein forms S342L, S369L.
Identifiers: ClinVar variation 1022964 (VCV001022964.10), dbSNP rs755073984, ClinGen allele CA10014200.

ClinVar aggregate classification (germline): Uncertain significance. Review status: reviewed by expert panel (3 of 4 stars). 3 submissions from 3 submitters: Uncertain significance (1). 2 of the submissions do not count toward it. Last evaluated 2024-11-13.

Conditions:
Hereditary thrombocytopenia and hematologic cancer predisposition syndrome. Identifiers: Orphanet 71290, MedGen CN281654, MONDO:0011071.
Hereditary thrombocytopenia and hematological cancer predisposition syndrome associated with RUNX1. Also called: Familial thrombocytopenia with propensity to acute myelogenous leukemia; PLATELET DISORDER, ASPIRIN-LIKE; RUNX1 Familial Platelet Disorder with Associated Myeloid Malignancies; Familial Platelet Disorder with Propensity to Acute Myelogenous Leukemia. Identifiers: Orphanet 71290, MedGen C1832388, MeSH C563324, MONDO:0100083, OMIM 601399.

Allele frequency attached by ClinVar (database versions not stated): ExAC below 0.00001; gnomAD exomes below 0.00001.
gnomAD v4.1: 2 of 1,586,278 alleles (0.00013%); highest among the groups gnomAD compares: Non-Finnish European, 0.00017%; no homozygotes.

Submissions (3):

ClinGen Myeloid Malignancy Variant Curation Expert Panel
Classification: Uncertain significance for Hereditary thrombocytopenia and hematologic cancer predisposition syndrome. Last evaluated: 2024-11-13. Review status: reviewed by expert panel. Criteria: ClinGen MyeloMalig ACMG Specifications v2. Collection method: curation. Allele origin: germline. Inheritance: Autosomal dominant inheritance.
Comment: NM_001754.5(RUNX1):c.1106C>T (p.Ser369Leu) is a missense variant which does not meet any ACMG/AMP criteria. In summary, the clinical significance of this variant is uncertain. ACMG/AMP criteria applied, as specified by the Myeloid Malignancy Variant Curation Expert Panel for RUNX1: None.

GeneDx
Classification: Uncertain significance. Last evaluated: 2024-07-05. Review status: criteria provided, single submitter. Criteria: GeneDx Variant Classification Process June 2021. Collection method: clinical testing. Allele origin: germline. Affected: yes. Not counted in ClinVar's aggregate classification.
Comment: Not observed at significant frequency in large population cohorts (gnomAD); In silico analysis supports that this missense variant has a deleterious effect on protein structure/function; Has not been previously published as pathogenic or benign to our knowledge

Labcorp Genetics (formerly Invitae), Labcorp
Classification: Uncertain significance for Hereditary thrombocytopenia and hematological cancer predisposition syndrome associated with RUNX1. Last evaluated: 2020-05-21. Review status: criteria provided, single submitter. Criteria: Invitae Variant Classification Sherloc (09022015). Collection method: clinical testing. Allele origin: germline. Not counted in ClinVar's aggregate classification.
Comment: In summary, the available evidence is currently insufficient to determine the role of this variant in disease. Therefore, it has been classified as a Variant of Uncertain Significance. Algorithms developed to predict the effect of missense changes on protein structure and function are either unavailable or do not agree on the potential impact of this missense change (SIFT: "Deleterious"; PolyPhen-2: "Benign"; Align-GVGD: "Class C25"). This variant has not been reported in the literature in individuals with RUNX1-related conditions. The frequency data for this variant in the population databases is considered unreliable, as metrics indicate poor data quality at this position in the ExAC database. This sequence change replaces serine with leucine at codon 369 of the RUNX1 protein (p.Ser369Leu). The serine residue is highly conserved and there is a large physicochemical difference between serine and leucine.